The following is an entry in ClinVar:

ClinVar aggregate classification (germline): Likely benign (0 of 4 stars; one submission).

Conditions:
GCNT2-related disorder. Also called: GCNT2-related condition.

Allele frequency attached by ClinVar (database versions not stated): 1000 Genomes Project 0.00040; gnomAD exomes 0.00043; 1000 Genomes Project 30x 0.00047; TOPMed 0.00054; gnomAD 0.00059; ESP Exome Variant Server 0.00069; ExAC 0.00080.
gnomAD v4.1: 764 of 1,614,010 alleles (0.047%); highest among the groups gnomAD compares: Middle Eastern, 0.53%; 3 homozygotes.

Submission:

PreventionGenetics, part of Exact Sciences
Classification: Likely benign for GCNT2-related condition. Last evaluated: 2024-04-03. Review status: no assertion criteria provided. Collection method: clinical testing. Allele origin: germline.
Comment: This variant is classified as likely benign based on ACMG/AMP sequence variant interpretation guidelines (Richards et al. 2015 PMID: 25741868, with internal and published modifications).

NM_145649.5(GCNT2):c.892G>A (p.Glu298Lys)

Gene: GCNT2 (glucosaminyl (N-acetyl) transferase 2 (I blood group); plus strand). Cytogenetic location: 6p24.3.
Variant type: single nucleotide variant.
Coding change: c.892G>A on transcript NM_145649.5 (MANE Select); coding-DNA position 892, G replaced by A.
Protein change: p.Glu298Lys; replaces glutamic acid 298 with lysine.
Molecular consequence: missense variant.
Genome position (GRCh38, 1-based): chr6:10,529,803, G>A. VCF-style: chr6-10529803-G-A. GRCh37 (hg19) VCF-style: chr6-10530036-G-A.
Other names: c.892G>A, p.Glu298Lys (NM_001374747.1); short protein forms E298K.
Identifiers: ClinVar variation 3033987 (VCV003033987.2), dbSNP rs139794913, ClinGen allele CA3631864.
Genomic context (GRCh38, chr6:10,529,803, plus strand): 5'-CTCCAAGACCAGCTCGCACTTGACTTACTCTCCTGGTCCAAGGACACCTACAGCCCCGAC[G>A]AACATTTCTGGGTGACACTCAACAGGATTCCCGGTATGTACGTCTCTTAACTTTTATTTT-3'
Protein context (NP_663624.1, residues 288-308): SWSKDTYSPD[Glu298Lys]HFWVTLNRIP